The following is an entry in ClinVar:

ClinVar aggregate classification (germline): Likely benign. Review status: criteria provided, multiple submitters, no conflicts (2 of 4 stars). 7 submissions from 7 submitters: Likely benign (4). 3 of the submissions do not count toward it. Last evaluated 2025-12-30.

Conditions:
COL9A2-related disorder. Also called: COL9A2-related condition.

Allele frequency attached by ClinVar (database versions not stated): TOPMed 0.00018; gnomAD 0.00019; ESP Exome Variant Server 0.00023; gnomAD exomes 0.00029; ExAC 0.00036.
gnomAD v4.1: 602 of 1,612,884 alleles (0.037%); highest among the groups gnomAD compares: Non-Finnish European, 0.046%; no homozygotes.

Submissions (7):

Labcorp Genetics (formerly Invitae), Labcorp
Classification: Likely benign. Last evaluated: 2025-12-30. Review status: criteria provided, single submitter. Criteria: Invitae Variant Classification Sherloc (09022015). Collection method: clinical testing. Allele origin: germline.

Blueprint Genetics
Classification: Likely benign. Last evaluated: 2024-10-28. Review status: criteria provided, single submitter. Criteria: ACMG Guidelines, 2015. Collection method: clinical testing. Allele origin: germline.

CeGaT Center for Human Genetics Tuebingen
Classification: Likely benign. Last evaluated: 2023-03-01. Review status: criteria provided, single submitter. Criteria: CeGaT Center For Human Genetics Tuebingen Variant Classification Criteria Version 2. Collection method: clinical testing. Allele origin: germline. Affected: yes. Observed: 1 variant allele.
Comment: COL9A2: BP4, BP7

GeneDx
Classification: Likely benign. Last evaluated: 2020-09-11. Review status: criteria provided, single submitter. Criteria: GeneDx Variant Classification Process June 2021. Collection method: clinical testing. Allele origin: germline. Affected: yes.

PreventionGenetics, part of Exact Sciences
Classification: Likely benign for COL9A2-related condition. Last evaluated: 2019-07-15. Review status: no assertion criteria provided. Collection method: clinical testing. Allele origin: germline. Not counted in ClinVar's aggregate classification.
Comment: This variant is classified as likely benign based on ACMG/AMP sequence variant interpretation guidelines (Richards et al. 2015 PMID: 25741868, with internal and published modifications).

Clinical Genetics DNA and cytogenetics Diagnostics Lab, Erasmus MC, Erasmus Medical Center
Classification: Likely benign. Review status: no assertion criteria provided. Collection method: clinical testing. Allele origin: germline. Affected: yes. Study: VKGL Data-share Consensus. Not counted in ClinVar's aggregate classification.

Clinical Genetics, Academic Medical Center
Classification: Benign. Review status: no assertion criteria provided. Collection method: clinical testing. Allele origin: germline. Affected: yes. Study: VKGL Data-share Consensus. Not counted in ClinVar's aggregate classification.

NM_001852.4(COL9A2):c.1962G>T (p.Leu654=)

Gene: COL9A2 (collagen type IX alpha 2 chain; minus strand). Cytogenetic location: 1p34.2.
Variant type: single nucleotide variant.
Coding change: c.1962G>T on transcript NM_001852.4 (MANE Select); coding-DNA position 1962, G replaced by T.
Protein change: p.Leu654=; no amino-acid change (leucine 654 retained).
Molecular consequence: synonymous variant.
Genome position (GRCh38, 1-based): chr1:40,301,290, C>A on the plus strand (G>T on the coding strand, the complement: COL9A2 is on the minus strand). VCF-style: chr1-40301290-C-A. GRCh37 (hg19) VCF-style: chr1-40766962-C-A.
Identifiers: ClinVar variation 508779 (VCV000508779.40), dbSNP rs142867960, ClinGen allele CA791268.